The following is an entry in ClinVar:

ClinVar aggregate classification (germline): Likely benign (0 of 4 stars; one submission).

Conditions:
MPO-related disorder. Also called: MPO-related condition.

Allele frequency attached by ClinVar (database versions not stated): gnomAD 0.00001.

Submission:

PreventionGenetics, part of Exact Sciences
Classification: Likely benign for MPO-related condition. Last evaluated: 2019-06-05. Review status: no assertion criteria provided. Collection method: clinical testing. Allele origin: germline.
Comment: This variant is classified as likely benign based on ACMG/AMP sequence variant interpretation guidelines (Richards et al. 2015 PMID: 25741868, with internal and published modifications).

NM_000250.2(MPO):c.1470C>T (p.Ile490=)

Genes: MPO (myeloperoxidase; minus strand), LOC106694316 (enhancer region in introns 7-9 of MPO; plus strand). Cytogenetic location: 17q22.
Variant type: single nucleotide variant.
Coding change: c.1470C>T on transcript NM_000250.2 (MANE Select); coding-DNA position 1470, C replaced by T.
Protein change: p.Ile490=; no amino-acid change (isoleucine 490 retained).
Molecular consequence: synonymous variant.
Genome position (GRCh38, 1-based): chr17:58,273,565, G>A on the plus strand (C>T on the coding strand, the complement: MPO is on the minus strand). VCF-style: chr17-58273565-G-A. GRCh37 (hg19) VCF-style: chr17-56350926-G-A.
Identifiers: ClinVar variation 3038937 (VCV003038937.2), dbSNP rs778272248, ClinGen allele CA8670627.